The following is an entry in ClinVar:

NM_000059.4(BRCA2):c.4915G>T (p.Val1639Leu)

Gene: BRCA2 (BRCA2 DNA repair associated; plus strand). Cytogenetic location: 13q13.1.
Variant type: single nucleotide variant.
Coding change: c.4915G>T on transcript NM_000059.4 (MANE Select); coding-DNA position 4915, G replaced by T.
Protein change: p.Val1639Leu; replaces valine 1639 with leucine.
Molecular consequence: missense variant.
Genome position (GRCh38, 1-based): chr13:32,339,270, G>T. VCF-style: chr13-32339270-G-T. GRCh37 (hg19) VCF-style: chr13-32913407-G-T.
Other names: short protein forms V1639L.
Identifiers: ClinVar variation 825286 (VCV000825286.12), dbSNP rs80358716, ClinGen allele CA387783603.

ClinVar aggregate classification (germline): Conflicting classifications of pathogenicity. Review status: criteria provided, conflicting classifications (1 of 4 stars). 3 submissions from 3 submitters: Uncertain significance (2); Likely benign (1). Last evaluated 2024-05-15.

Conditions:
Hereditary breast ovarian cancer syndrome. Also called: Hereditary breast and ovarian cancer syndrome; Hereditary breast and ovarian cancer; Hereditary breast and ovarian cancer syndrome (HBOC); Breast and ovarian cancer; Hereditary breast and/or ovarian cancer syndrome; BRCA1- and BRCA2-Associated Hereditary Breast and Ovarian Cancer. Identifiers: Orphanet 145, MedGen C0677776, MeSH D061325, MONDO:0003582. Disease mechanism: loss of function.
Hereditary cancer-predisposing syndrome. Also called: Neoplastic Syndromes, Hereditary; Tumor predisposition; Hereditary neoplastic syndrome; Hereditary Cancer Syndrome. Identifiers: Orphanet 140162, MedGen C0027672, MeSH D009386, MONDO:0015356.

Submissions (3):

Labcorp Genetics (formerly Invitae), Labcorp
Classification: Uncertain significance for Hereditary breast ovarian cancer syndrome. Last evaluated: 2024-05-15. Review status: criteria provided, single submitter. Criteria: Invitae Variant Classification Sherloc (09022015). Collection method: clinical testing. Allele origin: germline.
Comment: This sequence change replaces valine, which is neutral and non-polar, with leucine, which is neutral and non-polar, at codon 1639 of the BRCA2 protein (p.Val1639Leu). This variant is not present in population databases (gnomAD no frequency). This variant has not been reported in the literature in individuals affected with BRCA2-related conditions. ClinVar contains an entry for this variant (Variation ID: 825286). Advanced modeling of protein sequence and biophysical properties (such as structural, functional, and spatial information, amino acid conservation, physicochemical variation, residue mobility, and thermodynamic stability) performed at Invitae indicates that this missense variant is not expected to disrupt BRCA2 protein function with a negative predictive value of 95%. In summary, the available evidence is currently insufficient to determine the role of this variant in disease. Therefore, it has been classified as a Variant of Uncertain Significance.

University of Washington Department of Laboratory Medicine, University of Washington
Classification: Likely benign for Hereditary cancer-predisposing syndrome. Last evaluated: 2023-03-23. Review status: criteria provided, single submitter. Criteria: Dines et al. (Genet Med. 2020). Collection method: curation. Allele origin: germline.
Comment: Missense variant in a coldspot region where missense variants are very unlikely to be pathogenic (PMID:31911673).

BRCA2 exon 11 coldspot. Reclassification based on statistical prior probability.

Ambry Genetics
Classification: Uncertain significance for Hereditary cancer-predisposing syndrome. Last evaluated: 2019-01-17. Review status: criteria provided, single submitter. Criteria: Ambry Variant Classification Scheme 2023. Collection method: clinical testing. Allele origin: germline.
Comment: The p.V1639L variant (also known as c.4915G>T), located in coding exon 10 of the BRCA2 gene, results from a G to T substitution at nucleotide position 4915. The valine at codon 1639 is replaced by leucine, an amino acid with highly similar properties. This amino acid position is not well conserved in available vertebrate species. In addition, this alteration is predicted to be tolerated by in silico analysis. Since supporting evidence is limited at this time, the clinical significance of this alteration remains unclear.